The following is an entry in ClinVar:

ClinVar aggregate classification (germline): Uncertain significance. Review status: criteria provided, single submitter (1 of 4 stars). 2 submissions from 2 submitters: Uncertain significance (1). 1 of the submissions does not count toward it. Last evaluated 2025-11-13.

Conditions:
X-linked intellectual disability Cabezas type (MRXSC). Also called: CABEZAS SYNDROME; MENTAL RETARDATION, X-LINKED, SYNDROMIC 15; Intellectual developmental disorder, X-linked syndromic, Cabezas type. Identifiers: Orphanet 85289, Orphanet 85293, MedGen C1845861, MONDO:0010306, OMIM 300354.
CUL4B-related disorder. Also called: CUL4B-related condition.

gnomAD v4.1: 1 of 1,175,286 alleles (0.000085%); highest among the groups gnomAD compares: Non-Finnish European, 0.00012%; no homozygotes.

Submissions (2):

Labcorp Genetics (formerly Invitae), Labcorp
Classification: Uncertain significance for X-linked intellectual disability Cabezas type. Last evaluated: 2025-11-13. Review status: criteria provided, single submitter. Criteria: Invitae Variant Classification Sherloc (09022015). Collection method: clinical testing. Allele origin: germline.
Comment: This sequence change replaces proline, which is neutral and non-polar, with leucine, which is neutral and non-polar, at codon 698 of the CUL4B protein (p.Pro698Leu). This variant is present in population databases (rs775982228, gnomAD 0.007%). This variant has not been reported in the literature in individuals affected with CUL4B-related conditions. ClinVar contains an entry for this variant (Variation ID: 3349436). Invitae Evidence Modeling of protein sequence and biophysical properties (such as structural, functional, and spatial information, amino acid conservation, physicochemical variation, residue mobility, and thermodynamic stability) indicates that this missense variant is expected to disrupt CUL4B protein function with a positive predictive value of 95%. In summary, the available evidence is currently insufficient to determine the role of this variant in disease. Therefore, it has been classified as a Variant of Uncertain Significance.

PreventionGenetics, part of Exact Sciences
Classification: Uncertain significance for CUL4B-related condition. Last evaluated: 2023-12-20. Review status: no assertion criteria provided. Collection method: clinical testing. Allele origin: germline. Not counted in ClinVar's aggregate classification.
Comment: The CUL4B c.2093C>T variant is predicted to result in the amino acid substitution p.Pro698Leu. To our knowledge, this variant has not been reported in the literature. This variant is reported in 0.0067% of alleles in individuals of East Asian descent in gnomAD. At this time, the clinical significance of this variant is uncertain due to the absence of conclusive functional and genetic evidence.

NM_001079872.2(CUL4B):c.2039C>T (p.Pro680Leu)

Gene: CUL4B (cullin 4B; minus strand). Cytogenetic location: Xq24.
Variant type: single nucleotide variant.
Coding change: c.2039C>T on transcript NM_001079872.2 (MANE Select); coding-DNA position 2039, C replaced by T.
Protein change: p.Pro680Leu; replaces proline 680 with leucine.
Molecular consequence: missense variant.
Genome position (GRCh38, 1-based): chrX:120,536,934, G>A on the plus strand (C>T on the coding strand, the complement: CUL4B is on the minus strand). VCF-style: chrX-120536934-G-A. GRCh37 (hg19) VCF-style: chrX-119670789-G-A.
Other names: c.2054C>T, p.Pro685Leu (NM_001330624.2); c.1505C>T, p.Pro502Leu (NM_001369145.1); c.2093C>T, p.Pro698Leu (NM_003588.4); short protein forms P502L, P680L, P685L, P698L.
Identifiers: ClinVar variation 3349436 (VCV003349436.2).